The following is an entry in ClinVar:

NM_000487.6(ARSA):c.325G>A (p.Val109Met)

Gene: ARSA (arylsulfatase A; minus strand). Cytogenetic location: 22q13.33.
Variant type: single nucleotide variant.
Coding change: c.325G>A on transcript NM_000487.6 (MANE Select); coding-DNA position 325, G replaced by A.
Protein change: p.Val109Met; replaces valine 109 with methionine.
Molecular consequence: missense variant.
Genome position (GRCh38, 1-based): chr22:50,627,306, C>T on the plus strand (G>A on the coding strand, the complement: ARSA is on the minus strand). VCF-style: chr22-50627306-C-T. GRCh37 (hg19) VCF-style: chr22-51065734-C-T.
Other names: c.325G>A, p.Val109Met (NM_001085425.3, NM_001085426.3, NM_001085427.3); c.67G>A, p.Val23Met (NM_001085428.3, NM_001362782.2); short protein forms V109M, V23M.
Identifiers: ClinVar variation 374717 (VCV000374717.50), dbSNP rs746259972, ClinGen allele CA10325054.

ClinVar aggregate classification (germline): Uncertain significance. Review status: criteria provided, multiple submitters, no conflicts (2 of 4 stars). 4 submissions from 4 submitters: Uncertain significance (4). Last evaluated 2025-02-27.

Conditions:
Inborn genetic diseases. Identifiers: MedGen C0950123, MeSH D030342.
Metachromatic leukodystrophy (MLD). Also called: METACHROMATIC LEUKOENCEPHALOPATHY; Cerebral sclerosis diffuse metachromatic form; SULFATIDE LIPIDOSIS; Arylsulfatase A Deficiency; ARSA DEFICIENCY; CEREBROSIDE SULFATASE DEFICIENCY. Identifiers: Orphanet 512, MedGen C0023522, MONDO:0018868, OMIM 250100.

Allele frequency attached by ClinVar (database versions not stated): gnomAD 0.00004 and 0.00003; ExAC 0.00002; gnomAD exomes 0.00002 and 0.00003; TOPMed 0.00002.
gnomAD v4.1: 39 of 1,587,362 alleles (0.0025%); highest among the groups gnomAD compares: Middle Eastern, 0.017%; 1 homozygote.

Submissions (4):

Ambry Genetics
Classification: Uncertain significance for Inborn genetic diseases. Last evaluated: 2025-02-27. Review status: criteria provided, single submitter. Criteria: Ambry Variant Classification Scheme 2023. Collection method: clinical testing. Allele origin: germline.

Labcorp Genetics (formerly Invitae), Labcorp
Classification: Uncertain significance for Metachromatic leukodystrophy. Last evaluated: 2022-05-25. Review status: criteria provided, single submitter. Criteria: Invitae Variant Classification Sherloc (09022015). Collection method: clinical testing. Allele origin: germline.
Comment: This sequence change replaces valine, which is neutral and non-polar, with methionine, which is neutral and non-polar, at codon 109 of the ARSA protein (p.Val109Met). This variant is present in population databases (rs746259972, gnomAD 0.02%). This variant has not been reported in the literature in individuals affected with ARSA-related conditions. ClinVar contains an entry for this variant (Variation ID: 374717). Algorithms developed to predict the effect of missense changes on protein structure and function (SIFT, PolyPhen-2, Align-GVGD) all suggest that this variant is likely to be tolerated. In summary, the available evidence is currently insufficient to determine the role of this variant in disease. Therefore, it has been classified as a Variant of Uncertain Significance.

Fulgent Genetics
Classification: Uncertain significance for Metachromatic leukodystrophy. Last evaluated: 2022-03-18. Review status: criteria provided, single submitter. Criteria: ACMG Guidelines, 2015. Collection method: clinical testing. Allele origin: unknown.

CeGaT Center for Human Genetics Tuebingen
Classification: Uncertain significance. Last evaluated: 2016-07-01. Review status: criteria provided, single submitter. Criteria: CeGaT Center For Human Genetics Tuebingen Variant Classification Criteria Version 2. Collection method: clinical testing. Allele origin: germline. Affected: yes. Observed: 1 variant allele.